The following is an entry in ClinVar:

NM_032242.4(PLXNA1):c.1582C>T (p.Arg528Trp)

Gene: PLXNA1 (plexin A1; plus strand). Cytogenetic location: 3q21.3.
Variant type: single nucleotide variant.
Coding change: c.1582C>T on transcript NM_032242.4 (MANE Select); coding-DNA position 1582, C replaced by T.
Protein change: p.Arg528Trp; replaces arginine 528 with tryptophan.
Molecular consequence: missense variant.
Genome position (GRCh38, 1-based): chr3:127,004,674, C>T. VCF-style: chr3-127004674-C-T. GRCh37 (hg19) VCF-style: chr3-126723517-C-T.
Other names: short protein forms R528W.
Identifiers: ClinVar variation 3351917 (VCV003351917.1).
Genomic context (GRCh38, chr3:127,004,674, plus strand): 5'-ACGCGGGTGCCTGTGGAGAGCTGTGTGCAGTACACGTCCTGTGAGCTGTGTCTGGGGTCA[C>T]GGGACCCCCACTGTGGCTGGTGTGTCCTGCACAGCATGTGAGTCTGGGCAGGTGGGCAGG-3'
Protein context (NP_115618.3, residues 518-538): YTSCELCLGS[Arg528Trp]DPHCGWCVLH

ClinVar aggregate classification (germline): Uncertain significance (0 of 4 stars; one submission).

Conditions:
PLXNA1-related disorder. Also called: PLXNA1-related condition.

Submission:

PreventionGenetics, part of Exact Sciences
Classification: Uncertain significance for PLXNA1-related condition. Last evaluated: 2024-04-12. Review status: no assertion criteria provided. Collection method: clinical testing. Allele origin: germline.
Comment: The PLXNA1 c.1582C>T variant is predicted to result in the amino acid substitution p.Arg528Trp. This variant was reported in individuals with hypogonadotropic hypogonadism (Marcos et al. 2017. PubMed ID: 28334861; Kotan et al. 2019. PubMed ID: 30467832). This variant is reported in 0.0011% of alleles in individuals of European (Non-Finnish) descent in gnomAD. At this time, the clinical significance of this variant is uncertain due to the absence of conclusive functional and genetic evidence.